The following is an entry in ClinVar:

ClinVar aggregate classification (germline): Uncertain significance (1 of 4 stars; one submission).

Allele frequency attached by ClinVar (database versions not stated): gnomAD exomes below 0.00001; TOPMed below 0.00001; gnomAD 0.00001.
gnomAD v4.1: 6 of 1,613,976 alleles (0.00037%); highest among the groups gnomAD compares: Middle Eastern, 0.016%; no homozygotes.

Submission:

Labcorp Genetics (formerly Invitae), Labcorp
Classification: Uncertain significance. Last evaluated: 2023-11-15. Review status: criteria provided, single submitter. Criteria: Invitae Variant Classification Sherloc (09022015). Collection method: clinical testing. Allele origin: germline.
Comment: This sequence change replaces serine, which is neutral and polar, with phenylalanine, which is neutral and non-polar, at codon 2378 of the COL7A1 protein (p.Ser2378Phe). This variant is present in population databases (no rsID available, gnomAD 0.002%). This variant has not been reported in the literature in individuals affected with COL7A1-related conditions. Advanced modeling of protein sequence and biophysical properties (such as structural, functional, and spatial information, amino acid conservation, physicochemical variation, residue mobility, and thermodynamic stability) performed at Invitae indicates that this missense variant is not expected to disrupt COL7A1 protein function with a negative predictive value of 95%. In summary, the available evidence is currently insufficient to determine the role of this variant in disease. Therefore, it has been classified as a Variant of Uncertain Significance.

NM_000094.4(COL7A1):c.7133C>T (p.Ser2378Phe)

Gene: COL7A1 (collagen type VII alpha 1 chain; minus strand). Cytogenetic location: 3p21.31.
Variant type: single nucleotide variant.
Coding change: c.7133C>T on transcript NM_000094.4 (MANE Select); coding-DNA position 7133, C replaced by T.
Protein change: p.Ser2378Phe; replaces serine 2378 with phenylalanine.
Molecular consequence: missense variant.
Genome position (GRCh38, 1-based): chr3:48,571,132, G>A on the plus strand (C>T on the coding strand, the complement: COL7A1 is on the minus strand). VCF-style: chr3-48571132-G-A. GRCh37 (hg19) VCF-style: chr3-48608565-G-A.
Other names: short protein forms S2378F.
Identifiers: ClinVar variation 3012399 (VCV003012399.3), dbSNP rs1411532691, ClinGen allele CA352651066.
Genomic context (GRCh38, chr3:48,571,132, plus strand): 5'-CTACAACTGGTGATGGGGCATTGACTTACCTTCACACCTGGAGGGCCAGGAGGCCCAGGG[G>A]AGCCCGGGACCCCGACTCCTGGGTCACCCTTTGAGGAAAAGAGGCATCGGATCAAGCTCA-3'
Protein context (NP_000085.1, residues 2368-2388): KGDPGVGVPG[Ser2378Phe]PGPPGPPGVK